The following is an entry in ClinVar:

ClinVar aggregate classification (germline): Uncertain significance (1 of 4 stars; one submission).

Conditions:
Inborn genetic diseases. Identifiers: MedGen C0950123, MeSH D030342.

Submission:

Ambry Genetics
Classification: Uncertain significance for Inborn genetic diseases. Last evaluated: 2023-06-03. Review status: criteria provided, single submitter. Criteria: Ambry Variant Classification Scheme 2023. Collection method: clinical testing. Allele origin: germline.
Comment: The p.V74A variant (also known as c.221T>C), located in coding exon 2 of the LRRK2 gene, results from a T to C substitution at nucleotide position 221. The valine at codon 74 is replaced by alanine, an amino acid with similar properties. This amino acid position is conserved. In addition, the in silico prediction for this alteration is inconclusive. Since supporting evidence is limited at this time, the clinical significance of this alteration remains unclear.

NM_198578.4(LRRK2):c.221T>C (p.Val74Ala)

Gene: LRRK2 (leucine rich repeat kinase 2; plus strand). Cytogenetic location: 12q12.
Variant type: single nucleotide variant.
Coding change: c.221T>C on transcript NM_198578.4 (MANE Select); coding-DNA position 221, T replaced by C.
Protein change: p.Val74Ala; replaces valine 74 with alanine.
Molecular consequence: missense variant.
Genome position (GRCh38, 1-based): chr12:40,225,624, T>C. VCF-style: chr12-40225624-T-C. GRCh37 (hg19) VCF-style: chr12-40619426-T-C.
Other names: short protein forms V74A.
Identifiers: ClinVar variation 2562439 (VCV002562439.2), dbSNP rs2499336381, ClinGen allele CA384399410.